The following is an entry in ClinVar:

NM_006947.4(SRP72):c.1523C>T (p.Ser508Leu)

Gene: SRP72 (signal recognition particle 72; plus strand). Cytogenetic location: 4q12.
Variant type: single nucleotide variant.
Coding change: c.1523C>T on transcript NM_006947.4 (MANE Select); coding-DNA position 1523, C replaced by T.
Protein change: p.Ser508Leu; replaces serine 508 with leucine.
Molecular consequence: missense variant. On other transcripts: non-coding transcript variant (1).
Genome position (GRCh38, 1-based): chr4:56,491,451, C>T. VCF-style: chr4-56491451-C-T. GRCh37 (hg19) VCF-style: chr4-57357617-C-T.
Other names: c.1340C>T, p.Ser447Leu (NM_001267722.2); c.1523C>T (NM_006947.3); short protein forms S508L, S447L.
Identifiers: ClinVar variation 1915963 (VCV001915963.7), dbSNP rs151333733, ClinGen allele CA2931397.

ClinVar aggregate classification (germline): Uncertain significance. Review status: criteria provided, multiple submitters, no conflicts (2 of 4 stars). 3 submissions from 3 submitters: Uncertain significance (3). Last evaluated 2025-04-10.

Allele frequency attached by ClinVar (database versions not stated): TOPMed below 0.00001; ExAC 0.00001; gnomAD 0.00001; gnomAD exomes 0.00001; ESP Exome Variant Server 0.00008.
gnomAD v4.1: 4 of 1,613,658 alleles (0.00025%); highest among the groups gnomAD compares: African/African-American, 0.0013%; no homozygotes.

Submissions (3):

Ambry Genetics
Classification: Uncertain significance. Last evaluated: 2025-04-10. Review status: criteria provided, single submitter. Criteria: Ambry Variant Classification Scheme 2023. Collection method: clinical testing. Allele origin: germline.
Comment: The p.S508L variant (also known as c.1523C>T), located in coding exon 16 of the SRP72 gene, results from a C to T substitution at nucleotide position 1523. The serine at codon 508 is replaced by leucine, an amino acid with dissimilar properties. This amino acid position is conserved. In addition, the in silico prediction for this alteration is inconclusive. Based on the available evidence, the clinical significance of this variant remains unclear.

GeneDx
Classification: Uncertain significance. Last evaluated: 2024-08-18. Review status: criteria provided, single submitter. Criteria: GeneDx Variant Classification Process June 2021. Collection method: clinical testing. Allele origin: germline. Affected: yes.
Comment: Not observed at significant frequency in large population cohorts (gnomAD); In silico analysis supports that this missense variant has a deleterious effect on protein structure/function; Has not been previously published as pathogenic or benign to our knowledge

Labcorp Genetics (formerly Invitae), Labcorp
Classification: Uncertain significance. Last evaluated: 2022-10-26. Review status: criteria provided, single submitter. Criteria: Invitae Variant Classification Sherloc (09022015). Collection method: clinical testing. Allele origin: germline.
Comment: In summary, the available evidence is currently insufficient to determine the role of this variant in disease. Therefore, it has been classified as a Variant of Uncertain Significance. Algorithms developed to predict the effect of sequence changes on RNA splicing suggest that this variant may disrupt the consensus splice site. Algorithms developed to predict the effect of missense changes on protein structure and function (SIFT, PolyPhen-2, Align-GVGD) all suggest that this variant is likely to be tolerated. This variant has not been reported in the literature in individuals affected with SRP72-related conditions. This variant is not present in population databases (gnomAD no frequency). This sequence change replaces serine, which is neutral and polar, with leucine, which is neutral and non-polar, at codon 508 of the SRP72 protein (p.Ser508Leu).